The following is an entry in ClinVar:

NM_000426.4(LAMA2):c.6127C>T (p.Gln2043Ter)

Genes: LAMA2 (laminin subunit alpha 2; plus strand), LOC123864065 (Sharpr-MPRA regulatory region 661; plus strand). Cytogenetic location: 6q22.33.
Variant type: single nucleotide variant.
Coding change: c.6127C>T on transcript NM_000426.4 (MANE Select); coding-DNA position 6127, C replaced by T.
Protein change: p.Gln2043Ter; replaces glutamine 2043 with a stop codon.
Molecular consequence: nonsense.
Genome position (GRCh38, 1-based): chr6:129,440,857, C>T. VCF-style: chr6-129440857-C-T. GRCh37 (hg19) VCF-style: chr6-129762002-C-T.
Other names: c.6127C>T, p.Gln2043Ter (NM_001079823.2); short protein forms Q2043*.
Identifiers: ClinVar variation 2955182 (VCV002955182.3), dbSNP rs897866453, ClinGen allele CA365629027.

ClinVar aggregate classification (germline): Pathogenic (1 of 4 stars; one submission).

Conditions:
LAMA2-related muscular dystrophy (LAMA2-RD). Also called: Laminin alpha 2-related dystrophy. Identifiers: MedGen C5679788, MONDO:0100228.

Submission:

Labcorp Genetics (formerly Invitae), Labcorp
Classification: Pathogenic for LAMA2-related muscular dystrophy. Last evaluated: 2023-10-31. Review status: criteria provided, single submitter. Criteria: Invitae Variant Classification Sherloc (09022015). Collection method: clinical testing. Allele origin: germline.
Comment: This sequence change creates a premature translational stop signal (p.Gln2043*) in the LAMA2 gene. It is expected to result in an absent or disrupted protein product. Loss-of-function variants in LAMA2 are known to be pathogenic (PMID: 18700894, 32904964). This variant is not present in population databases (gnomAD no frequency). This variant has not been reported in the literature in individuals affected with LAMA2-related conditions. For these reasons, this variant has been classified as Pathogenic.

Literature cited by the submitters: PubMed 18700894; PubMed 32904964.